The following is an entry in ClinVar:

NM_001673.5(ASNS):c.1213G>A (p.Ala405Thr)

Genes: ASNS (asparagine synthetase (glutamine-hydrolyzing); minus strand), CZ1P-ASNS (CZ1P-ASNS readthrough; minus strand). Cytogenetic location: 7q21.3.
Variant type: single nucleotide variant.
Coding change: c.1213G>A on transcript NM_001673.5 (MANE Select); coding-DNA position 1213, G replaced by A.
Protein change: p.Ala405Thr; replaces alanine 405 with threonine.
Molecular consequence: missense variant. On other transcripts: non-coding transcript variant (1).
Genome position (GRCh38, 1-based): chr7:97,854,605, C>T on the plus strand (G>A on the coding strand, the complement: ASNS is on the minus strand). VCF-style: chr7-97854605-C-T. GRCh37 (hg19) VCF-style: chr7-97483917-C-T.
Other names: c.1150G>A, p.Ala384Thr (NM_001178075.2); c.964G>A, p.Ala322Thr (NM_001178076.2, NM_001178077.1); c.1213G>A, p.Ala405Thr (NM_001352496.2, NM_133436.3, NM_183356.4); short protein forms A322T, A405T, A384T.
Identifiers: ClinVar variation 802339 (VCV000802339.4), dbSNP rs749406391, ClinGen allele CA4354565.

ClinVar aggregate classification (germline): Conflicting classifications of pathogenicity. Review status: criteria provided, conflicting classifications (1 of 4 stars). 3 submissions from 3 submitters: Likely pathogenic (1); Uncertain significance (2). Last evaluated 2023-11-03.

Conditions:
Congenital microcephaly - severe encephalopathy - progressive cerebral atrophy syndrome. Also called: ASNS DEFICIENCY; Asparagine synthetase deficiency. Identifiers: Orphanet 391376, MedGen C3809971, MONDO:0014258, OMIM 615574.

Allele frequency attached by ClinVar (database versions not stated): ExAC 0.00001; gnomAD 0.00001; gnomAD exomes 0.00001; TOPMed 0.00001.
gnomAD v4.1: 6 of 1,613,962 alleles (0.00037%); highest among the groups gnomAD compares: African/African-American, 0.004%; no homozygotes.

Submissions (3):

GeneDx
Classification: Uncertain significance. Last evaluated: 2023-11-03. Review status: criteria provided, single submitter. Criteria: GeneDx Variant Classification Process June 2021. Collection method: clinical testing. Allele origin: germline. Affected: yes.
Comment: Has not been previously published as pathogenic or benign to our knowledge; Not observed at significant frequency in large population cohorts (gnomAD); In silico analysis supports that this missense variant has a deleterious effect on protein structure/function

Labcorp Genetics (formerly Invitae), Labcorp
Classification: Uncertain significance. Last evaluated: 2022-03-04. Review status: criteria provided, single submitter. Criteria: Invitae Variant Classification Sherloc (09022015). Collection method: clinical testing. Allele origin: germline.
Comment: This sequence change replaces alanine, which is neutral and non-polar, with threonine, which is neutral and polar, at codon 405 of the ASNS protein (p.Ala405Thr). This variant is present in population databases (rs749406391, gnomAD 0.008%). This variant has not been reported in the literature in individuals affected with ASNS-related conditions. ClinVar contains an entry for this variant (Variation ID: 802339). Advanced modeling of protein sequence and biophysical properties (such as structural, functional, and spatial information, amino acid conservation, physicochemical variation, residue mobility, and thermodynamic stability) performed at Invitae indicates that this missense variant is expected to disrupt ASNS protein function. In summary, the available evidence is currently insufficient to determine the role of this variant in disease. Therefore, it has been classified as a Variant of Uncertain Significance.

Mendelics
Classification: Likely pathogenic for Congenital microcephaly - severe encephalopathy - progressive cerebral atrophy syndrome. Last evaluated: 2019-05-28. Review status: criteria provided, single submitter. Criteria: Mendelics Assertion Criteria 2017. Collection method: clinical testing. Allele origin: unknown.